The following is an entry in ClinVar:

ClinVar aggregate classification (germline): Likely benign. Review status: criteria provided, multiple submitters, no conflicts (2 of 4 stars). 2 submissions from 2 submitters: Likely benign (2). Last evaluated 2025-07-01.

gnomAD v4.1: 163 of 1,609,440 alleles (0.01%); highest among the groups gnomAD compares: African/African-American, 0.066%; no homozygotes.

Submissions (2):

CeGaT Center for Human Genetics Tuebingen
Classification: Likely benign. Last evaluated: 2025-07-01. Review status: criteria provided, single submitter. Criteria: CeGaT Center For Human Genetics Tuebingen Variant Classification Criteria Version 2. Collection method: clinical testing. Allele origin: germline. Affected: yes. Observed: 1 variant allele.
Comment: HS6ST1: BP4, BP7

Labcorp Genetics (formerly Invitae), Labcorp
Classification: Likely benign. Last evaluated: 2024-04-26. Review status: criteria provided, single submitter. Criteria: Invitae Variant Classification Sherloc (09022015). Collection method: clinical testing. Allele origin: germline.

NM_004807.3(HS6ST1):c.1179C>T (p.Asp393=)

Gene: HS6ST1 (heparan sulfate 6-O-sulfotransferase 1; minus strand). Cytogenetic location: 2q14.3.
Variant type: single nucleotide variant.
Coding change: c.1179C>T on transcript NM_004807.3 (MANE Select); coding-DNA position 1179, C replaced by T.
Protein change: p.Asp393=; no amino-acid change (aspartic acid 393 retained).
Molecular consequence: synonymous variant.
Genome position (GRCh38, 1-based): chr2:128,268,219, G>A on the plus strand (C>T on the coding strand, the complement: HS6ST1 is on the minus strand). VCF-style: chr2-128268219-G-A. GRCh37 (hg19) VCF-style: chr2-129025793-G-A.
Identifiers: ClinVar variation 3708521 (VCV003708521.10).
Genomic context (GRCh38, chr2:128,268,219, plus strand): 5'-CCACTACCACTTCTCAATGATGTGGCTCATGTAGTCCTCGGTGGGCACGCGGCCCGGCTC[G>A]TCGGCATCCTCCCGCGGCAGTGCCTCCTTGGCCCGGTGCAGCAGACGCTCCTCGCGGCTC-3'
Protein context (NP_004798.3, residues 383-403): AKEALPREDA[Asp393=]EPGRVPTEDY